The following is an entry in ClinVar:

ClinVar aggregate classification (germline): Uncertain significance. Review status: criteria provided, multiple submitters, no conflicts (2 of 4 stars). 4 submissions from 4 submitters: Uncertain significance (3). 1 of the submissions does not count toward it. Last evaluated 2024-12-14.

Conditions:
Inborn genetic diseases. Identifiers: MedGen C0950123, MeSH D030342.
Severe X-linked myotubular myopathy (CNMX). Also called: MYOTUBULAR MYOPATHY 1; Myotubular myopathy, X-linked; X-linked centronuclear myopathy. Identifiers: Orphanet 596, MedGen C0410203, MONDO:0010683, OMIM 310400.

Allele frequency attached by ClinVar (database versions not stated): gnomAD exomes 0.00001; gnomAD 0.00002; TOPMed 0.00002.
gnomAD v4.1: 14 of 1,208,938 alleles (0.0012%); highest among the groups gnomAD compares: African/African-American, 0.0018%; no homozygotes.

Submissions (4):

Ambry Genetics
Classification: Uncertain significance for Inborn genetic diseases. Last evaluated: 2024-12-14. Review status: criteria provided, single submitter. Criteria: Ambry Variant Classification Scheme 2023. Collection method: clinical testing. Allele origin: germline.

Labcorp Genetics (formerly Invitae), Labcorp
Classification: Uncertain significance for Severe X-linked myotubular myopathy. Last evaluated: 2021-08-30. Review status: criteria provided, single submitter. Criteria: Invitae Variant Classification Sherloc (09022015). Collection method: clinical testing. Allele origin: germline.
Comment: This sequence change replaces glutamine with arginine at codon 575 of the MTM1 protein (p.Gln575Arg). The glutamine residue is moderately conserved and there is a small physicochemical difference between glutamine and arginine. This variant is not present in population databases (ExAC no frequency). This variant has not been reported in the literature in individuals affected with MTM1-related conditions. ClinVar contains an entry for this variant (Variation ID: 530853). Algorithms developed to predict the effect of missense changes on protein structure and function (SIFT, PolyPhen-2, Align-GVGD) all suggest that this variant is likely to be tolerated. In summary, the available evidence is currently insufficient to determine the role of this variant in disease. Therefore, it has been classified as a Variant of Uncertain Significance.

Revvity Omics, Revvity
Classification: Uncertain significance. Last evaluated: 2019-04-10. Review status: criteria provided, single submitter. Criteria: ACMG Guidelines, 2015. Collection method: clinical testing. Allele origin: germline.

Natera, Inc.
Classification: Uncertain significance for Severe X-linked myotubular myopathy. Last evaluated: 2021-05-20. Review status: no assertion criteria provided. Collection method: clinical testing. Allele origin: germline. Not counted in ClinVar's aggregate classification.

NM_000252.3(MTM1):c.1724A>G (p.Gln575Arg)

Gene: MTM1 (myotubularin 1; plus strand). Cytogenetic location: Xq28.
Variant type: single nucleotide variant.
Coding change: c.1724A>G on transcript NM_000252.3 (MANE Select); coding-DNA position 1724, A replaced by G.
Protein change: p.Gln575Arg; replaces glutamine 575 with arginine.
Molecular consequence: missense variant.
Genome position (GRCh38, 1-based): chrX:150,671,507, A>G. VCF-style: chrX-150671507-A-G. GRCh37 (hg19) VCF-style: chrX-149839980-A-G.
Other names: c.1721A>G, p.Gln574Arg (NM_001376906.1); c.1613A>G, p.Gln538Arg (NM_001376907.1); c.1724A>G, p.Gln575Arg (NM_001376908.1); short protein forms Q575R, Q538R, Q574R.
Identifiers: ClinVar variation 530853 (VCV000530853.14), dbSNP rs1347335331, ClinGen allele CA415023347.